The following is an entry in ClinVar:

ClinVar aggregate classification (germline): Uncertain significance (1 of 4 stars; one submission).

Conditions:
Joubert syndrome 16 (JBTS16). Identifiers: Orphanet 2318, MedGen C3280906, MONDO:0013764, OMIM 614465.

Allele frequency attached by ClinVar (database versions not stated): gnomAD exomes below 0.00001; TOPMed below 0.00001; gnomAD 0.00001.
gnomAD v4.1: 2 of 1,614,152 alleles (0.00012%); highest among the groups gnomAD compares: Non-Finnish European, 0.00017%; no homozygotes.

Submission:

Labcorp Genetics (formerly Invitae), Labcorp
Classification: Uncertain significance for Joubert syndrome 16. Last evaluated: 2022-07-17. Review status: criteria provided, single submitter. Criteria: Invitae Variant Classification Sherloc (09022015). Collection method: clinical testing. Allele origin: germline.
Comment: This sequence change replaces serine, which is neutral and polar, with alanine, which is neutral and non-polar, at codon 26 of the TMEM138 protein (p.Ser26Ala). This variant is present in population databases (no rsID available, gnomAD 0.0009%). This variant has not been reported in the literature in individuals affected with TMEM138-related conditions. Algorithms developed to predict the effect of missense changes on protein structure and function output the following: SIFT: "Tolerated"; PolyPhen-2: "Benign"; Align-GVGD: "Class C0". The alanine amino acid residue is found in multiple mammalian species, which suggests that this missense change does not adversely affect protein function. Algorithms developed to predict the effect of sequence changes on RNA splicing suggest that this variant may create or strengthen a splice site. In summary, the available evidence is currently insufficient to determine the role of this variant in disease. Therefore, it has been classified as a Variant of Uncertain Significance.

NM_016464.5(TMEM138):c.76T>G (p.Ser26Ala)

Gene: TMEM138 (transmembrane protein 138; plus strand). Cytogenetic location: 11q12.2.
Variant type: single nucleotide variant.
Coding change: c.76T>G on transcript NM_016464.5 (MANE Select); coding-DNA position 76, T replaced by G.
Protein change: p.Ser26Ala; replaces serine 26 with alanine.
Molecular consequence: missense variant. On other transcripts: non-coding transcript variant (1), intron variant (1).
Genome position (GRCh38, 1-based): chr11:61,364,466, T>G. VCF-style: chr11-61364466-T-G. GRCh37 (hg19) VCF-style: chr11-61131938-T-G.
Other names: c.76T>G, p.Ser26Ala (NM_001410997.1, NM_001410998.1, NM_001410999.1); c.-47+151T>G (NM_001330281.2); short protein forms S26A.
Identifiers: ClinVar variation 2172887 (VCV002172887.4), dbSNP rs984421066, ClinGen allele CA222872106.